The following is an entry in ClinVar:

ClinVar aggregate classification (germline): Pathogenic (1 of 4 stars; one submission).

Allele frequency attached by ClinVar (database versions not stated): TOPMed below 0.00001; gnomAD 0.00001.
gnomAD v4.1: 22 of 1,614,062 alleles (0.0014%); highest among the groups gnomAD compares: Non-Finnish European, 0.0019%; no homozygotes.

Submission:

Labcorp Genetics (formerly Invitae), Labcorp
Classification: Pathogenic. Last evaluated: 2025-04-25. Review status: criteria provided, single submitter. Criteria: Invitae Variant Classification Sherloc (09022015). Collection method: clinical testing. Allele origin: germline.
Comment: This sequence change creates a premature translational stop signal (p.Gln85*) in the SLC25A4 gene. It is expected to result in an absent or disrupted protein product. Loss-of-function variants in SLC25A4 are known to be pathogenic (PMID: 23401503, 25732997). This variant is present in population databases (no rsID available, gnomAD 0.0009%). This variant has not been reported in the literature in individuals affected with SLC25A4-related conditions. ClinVar contains an entry for this variant (Variation ID: 2113960). For these reasons, this variant has been classified as Pathogenic.

Literature cited by the submitters: PubMed 23401503; PubMed 25732997.

NM_001151.4(SLC25A4):c.253C>T (p.Gln85Ter)

Gene: SLC25A4 (solute carrier family 25 member 4; plus strand). Cytogenetic location: 4q35.1.
Variant type: single nucleotide variant.
Coding change: c.253C>T on transcript NM_001151.4 (MANE Select); coding-DNA position 253, C replaced by T.
Protein change: p.Gln85Ter; replaces glutamine 85 with a stop codon.
Molecular consequence: nonsense.
Genome position (GRCh38, 1-based): chr4:185,144,905, C>T. VCF-style: chr4-185144905-C-T. GRCh37 (hg19) VCF-style: chr4-186066059-C-T.
Other names: short protein forms Q85*.
Identifiers: ClinVar variation 2113960 (VCV002113960.4), dbSNP rs1163573848, ClinGen allele CA358896219.